The following is an entry in ClinVar:

ClinVar aggregate classification (germline): Uncertain significance (1 of 4 stars; one submission).

Conditions:
Hereditary cancer-predisposing syndrome. Also called: Neoplastic Syndromes, Hereditary; Tumor predisposition; Hereditary Cancer Syndrome; Hereditary neoplastic syndrome. Identifiers: Orphanet 140162, MedGen C0027672, MeSH D009386, MONDO:0015356.

Submission:

Ambry Genetics
Classification: Uncertain significance for Hereditary cancer-predisposing syndrome. Last evaluated: 2026-04-16. Review status: criteria provided, single submitter. Criteria: Ambry Variant Classification Scheme 2023. Collection method: clinical testing. Allele origin: germline.
Comment: The p.V7F variant (also known as c.19G>T), located in coding exon 1 of the CHEK2 gene, results from a G to T substitution at nucleotide position 19. The valine at codon 7 is replaced by phenylalanine, an amino acid with highly similar properties. This amino acid position is not well conserved in available vertebrate species. In addition, the in silico prediction for this alteration is inconclusive. Based on the available evidence, the clinical significance of this variant remains unclear.

NM_007194.4(CHEK2):c.19G>T (p.Val7Phe)

Gene: CHEK2 (checkpoint kinase 2; minus strand). Cytogenetic location: 22q12.1.
Variant type: single nucleotide variant.
Coding change: c.19G>T on transcript NM_007194.4 (MANE Select); coding-DNA position 19, G replaced by T.
Protein change: p.Val7Phe; replaces valine 7 with phenylalanine.
Molecular consequence: missense variant. On other transcripts: 5 prime UTR variant (1), intron variant (1).
Genome position (GRCh38, 1-based): chr22:28,734,703, C>A on the plus strand (G>T on the coding strand, the complement: CHEK2 is on the minus strand). VCF-style: chr22-28734703-C-A. GRCh37 (hg19) VCF-style: chr22-29130691-C-A.
Other names: c.19G>T, p.Val7Phe (NM_001005735.3, NM_001349956.3, NM_001438293.1 and 3 more transcripts); c.-759G>T (NM_001257387.3); c.-345+7066G>T (NM_001437942.1); short protein forms V7F.
Identifiers: ClinVar variation 4868928 (VCV004868928.1).